The following is an entry in ClinVar:

ClinVar aggregate classification (germline): Uncertain significance (1 of 4 stars; one submission).

Conditions:
Ehlers-Danlos syndrome, type 4 (EDSVASC). Also called: Ehlers-Danlos syndrome vascular type; Ehlers Danlos syndrome, ecchymotic type; Ehlers Danlos syndrome, arterial type; Ehlers Danlos syndrome, Sack-Barabas type; Ehlers-Danlos Syndrome Type IV. Identifiers: Orphanet 286, MedGen C0268338, MONDO:0017314, OMIM 130050.
Polymicrogyria with or without vascular-type Ehlers-Danlos syndrome. Identifiers: Orphanet 636941, MedGen C5193040, MONDO:0032688, OMIM 618343.

Submission:

Juno Genomics, Hangzhou Juno Genomics, Inc
Classification: Uncertain significance for Ehlers-Danlos syndrome, type 4; Polymicrogyria with or without vascular-type Ehlers-Danlos syndrome. Review status: criteria provided, single submitter. Criteria: ACMG Guidelines, 2015. Collection method: clinical testing. Allele origin: germline.
Comment: Absent from controls (or at extremely low frequency if recessive) in Genome Aggregation Database.;Multiple lines of computational evidence support a deleterious effect on the gene or gene product.;Missense variant in a gene that has a low rate of benign missense variation.;De novo (both maternity and paternity confirmed) in a patient with the disease and no family history.

NM_000090.4(COL3A1):c.3271C>T (p.Arg1091Cys)

Gene: COL3A1 (collagen type III alpha 1 chain; plus strand). Cytogenetic location: 2q32.2.
Variant type: single nucleotide variant.
Coding change: c.3271C>T on transcript NM_000090.4 (MANE Select); coding-DNA position 3271, C replaced by T.
Protein change: p.Arg1091Cys; replaces arginine 1091 with cysteine.
Molecular consequence: missense variant.
Genome position (GRCh38, 1-based): chr2:189,007,515, C>T. VCF-style: chr2-189007515-C-T. GRCh37 (hg19) VCF-style: chr2-189872241-C-T.
Other names: short protein forms R1091C.
Identifiers: ClinVar variation 5006177 (VCV005006177.2).
Genomic context (GRCh38, chr2:189,007,515, plus strand): 5'-TATGTATGTGTGTATATGACTTCAATTCAAAATATGTTTCTAAAGGGTCCTCAAGGCCCA[C>T]GTGGTGACAAAGGTGAAACAGGTGAACGTGGAGCTGCTGGCATCAAAGGACATCGAGGAT-3'
Protein context (NP_000081.2, residues 1081-1101): SRGAPGPQGP[Arg1091Cys]GDKGETGERG